The following is an entry in ClinVar:

NM_000102.4(CYP17A1):c.342C>G (p.Phe114Leu)

Gene: CYP17A1 (cytochrome P450 family 17 subfamily A member 1; minus strand). Cytogenetic location: 10q24.32.
Variant type: single nucleotide variant.
Coding change: c.342C>G on transcript NM_000102.4 (MANE Select); coding-DNA position 342, C replaced by G.
Protein change: p.Phe114Leu; replaces phenylalanine 114 with leucine.
Molecular consequence: missense variant.
Genome position (GRCh38, 1-based): chr10:102,835,348, G>C on the plus strand (C>G on the coding strand, the complement: CYP17A1 is on the minus strand). VCF-style: chr10-102835348-G-C. GRCh37 (hg19) VCF-style: chr10-104595105-G-C.
Other names: short protein forms F114L.
Identifiers: ClinVar variation 2711523 (VCV002711523.3), dbSNP rs774228870, ClinGen allele CA377940451.

ClinVar aggregate classification (germline): Likely pathogenic (1 of 4 stars; one submission).

gnomAD v4.1: 2 of 1,611,778 alleles (0.00012%); highest among the groups gnomAD compares: Non-Finnish European, 0.00017%; no homozygotes.

Submission:

Labcorp Genetics (formerly Invitae), Labcorp
Classification: Likely pathogenic. Last evaluated: 2024-01-25. Review status: criteria provided, single submitter. Criteria: Invitae Variant Classification Sherloc (09022015). Collection method: clinical testing. Allele origin: germline.
Comment: This sequence change replaces phenylalanine, which is neutral and non-polar, with leucine, which is neutral and non-polar, at codon 114 of the CYP17A1 protein (p.Phe114Leu). This variant is not present in population databases (gnomAD no frequency). This variant has not been reported in the literature in individuals affected with CYP17A1-related conditions. Advanced modeling of protein sequence and biophysical properties (such as structural, functional, and spatial information, amino acid conservation, physicochemical variation, residue mobility, and thermodynamic stability) performed at Invitae indicates that this missense variant is expected to disrupt CYP17A1 protein function with a positive predictive value of 95%. This variant disrupts the p.Phe114 amino acid residue in CYP17A1. Other variant(s) that disrupt this residue have been determined to be pathogenic (PMID: 12466376). This suggests that this residue is clinically significant, and that variants that disrupt this residue are likely to be disease-causing. In summary, the currently available evidence indicates that the variant is pathogenic, but additional data are needed to prove that conclusively. Therefore, this variant has been classified as Likely Pathogenic.

Literature cited by the submitters: PubMed 12466376.